The following is an entry in ClinVar:

NM_001100913.3(PACS2):c.489C>T (p.Pro163=)

Gene: PACS2 (phosphofurin acidic cluster sorting protein 2; plus strand). Cytogenetic location: 14q32.33.
Variant type: single nucleotide variant.
Coding change: c.489C>T on transcript NM_001100913.3 (MANE Select); coding-DNA position 489, C replaced by T.
Protein change: p.Pro163=; no amino-acid change (proline 163 retained).
Molecular consequence: synonymous variant.
Genome position (GRCh38, 1-based): chr14:105,367,278, C>T. VCF-style: chr14-105367278-C-T. GRCh37 (hg19) VCF-style: chr14-105833615-C-T.
Other names: c.288C>T, p.Pro96= (NM_001243127.3); c.489C>T, p.Pro163= (NM_015197.4).
Identifiers: ClinVar variation 768683 (VCV000768683.17), dbSNP rs112555824, ClinGen allele CA7388395.

ClinVar aggregate classification (germline): Benign/Likely benign. Review status: criteria provided, multiple submitters, no conflicts (2 of 4 stars). 5 submissions from 5 submitters: Benign (3); Likely benign (1). 1 of the submissions does not count toward it. Last evaluated 2026-02-03.

Conditions:
PACS2-related disorder. Also called: PACS2-related condition.
Developmental and epileptic encephalopathy, 66. Also called: EPILEPTIC ENCEPHALOPATHY, EARLY INFANTILE, 66. Identifiers: MedGen C4748070, MONDO:0054845, OMIM 618067.

Allele frequency attached by ClinVar (database versions not stated): ExAC 0.00520; TOPMed 0.01766; 1000 Genomes Project 30x 0.01468; gnomAD 0.01726 and 0.01602; gnomAD exomes 0.00413 and 0.00161; 1000 Genomes Project 0.01358; ESP Exome Variant Server 0.01838.
gnomAD v4.1: 4,881 of 1,613,182 alleles (0.3%); highest among the groups gnomAD compares: African/African-American, 5.4%; 138 homozygotes.

Submissions (5):

Labcorp Genetics (formerly Invitae), Labcorp
Classification: Benign. Last evaluated: 2026-02-03. Review status: criteria provided, single submitter. Criteria: Invitae Variant Classification Sherloc (09022015). Collection method: clinical testing. Allele origin: germline.

Fulgent Genetics
Classification: Likely benign for Developmental and epileptic encephalopathy, 66. Last evaluated: 2022-01-13. Review status: criteria provided, single submitter. Criteria: ACMG Guidelines, 2015. Collection method: clinical testing. Allele origin: unknown.

GeneDx
Classification: Benign. Last evaluated: 2021-05-05. Review status: criteria provided, single submitter. Criteria: GeneDx Variant Classification Process June 2021. Collection method: clinical testing. Allele origin: germline. Affected: yes.

Breakthrough Genomics
Classification: Benign. Review status: criteria provided, single submitter. Criteria: ACMG Guidelines, 2015. Collection method: not provided. Allele origin: germline. Inheritance: Autosomal dominant inheritance. Affected: yes.

PreventionGenetics, part of Exact Sciences
Classification: Benign for PACS2-related condition. Last evaluated: 2019-05-01. Review status: no assertion criteria provided. Collection method: clinical testing. Allele origin: germline. Not counted in ClinVar's aggregate classification.
Comment: This variant is classified as benign based on ACMG/AMP sequence variant interpretation guidelines (Richards et al. 2015 PMID: 25741868, with internal and published modifications).